The following is an entry in ClinVar:

ClinVar aggregate classification (germline): Uncertain significance (1 of 4 stars; one submission).

Submission:

Women's Health and Genetics/Laboratory Corporation of America, LabCorp
Classification: Uncertain significance. Last evaluated: 2024-05-22. Review status: criteria provided, single submitter. Criteria: LabCorp Variant Classification Summary - May 2015. Collection method: clinical testing. Allele origin: germline.
Comment: Variant summary: The variant involves a full gene duplication of the RBM8A gene spanning exons 1-6. A presumed nomenclature of c.(?_-59)_(*4326_?)dup has been designated for the purposes of this classification. This duplication includes the entire coding sequence of the gene. As exact breakpoints are unknown, it may extend beyond the annotated region of the gene, to include other flanking genes. A duplication including the complete RBM8A gene and partial PEX11B gene was detected at a frequency of 0.00028 in 21694 control chromosomes (gnomAD Structural Variants Dataset). The available data on variant occurrences in the general population are insufficient to allow any conclusion about variant significance. To our knowledge, no occurrence of c.(?_-59)_(*4326_?)dup in individuals affected with Radial Aplasia-Thrombocytopenia Syndrome and no experimental evidence demonstrating its impact on protein function have been reported. No submitters have cited clinical-significance assessments for this variant to ClinVar. Based on the evidence outlined above, the variant was classified as uncertain significance.

NC_000001.10:g.(?_145507608)_(145513537_?)dup

Gene: RBM8A (RNA binding motif protein 8A; minus strand). Cytogenetic location: 1q21.1.
Variant type: Duplication.
Identifiers: ClinVar variation 3336451 (VCV003336451.1).